The following is an entry in ClinVar:

ClinVar aggregate classification (germline): Uncertain significance (1 of 4 stars; one submission).

Allele frequency attached by ClinVar (database versions not stated): gnomAD exomes below 0.00001 and 0.00001; TOPMed 0.00002.

Submission:

Labcorp Genetics (formerly Invitae), Labcorp
Classification: Uncertain significance. Last evaluated: 2023-11-27. Review status: criteria provided, single submitter. Criteria: Invitae Variant Classification Sherloc (09022015). Collection method: clinical testing. Allele origin: germline.
Comment: This sequence change replaces alanine, which is neutral and non-polar, with threonine, which is neutral and polar, at codon 1075 of the AMER1 protein (p.Ala1075Thr). The frequency data for this variant in the population databases is considered unreliable, as metrics indicate poor data quality at this position in the gnomAD database. This variant has not been reported in the literature in individuals affected with AMER1-related conditions. ClinVar contains an entry for this variant (Variation ID: 1383015). Algorithms developed to predict the effect of missense changes on protein structure and function output the following: SIFT: "Not Available"; PolyPhen-2: "Benign"; Align-GVGD: "Not Available". The threonine amino acid residue is found in multiple mammalian species, which suggests that this missense change does not adversely affect protein function. In summary, the available evidence is currently insufficient to determine the role of this variant in disease. Therefore, it has been classified as a Variant of Uncertain Significance.

NM_152424.4(AMER1):c.3223G>A (p.Ala1075Thr)

Gene: AMER1 (APC membrane recruitment protein 1; minus strand). Cytogenetic location: Xq11.2.
Variant type: single nucleotide variant.
Coding change: c.3223G>A on transcript NM_152424.4 (MANE Select); coding-DNA position 3223, G replaced by A.
Protein change: p.Ala1075Thr; replaces alanine 1075 with threonine.
Molecular consequence: missense variant.
Genome position (GRCh38, 1-based): chrX:64,190,064, C>T on the plus strand (G>A on the coding strand, the complement: AMER1 is on the minus strand). VCF-style: chrX-64190064-C-T. GRCh37 (hg19) VCF-style: chrX-63409944-C-T.
Other names: short protein forms A1075T.
Identifiers: ClinVar variation 1383015 (VCV001383015.6), dbSNP rs1204348341, ClinGen allele CA413301262.